The following is an entry in ClinVar:

ClinVar aggregate classification (germline): Pathogenic. Review status: criteria provided, multiple submitters, no conflicts (2 of 4 stars). 3 submissions from 3 submitters: Pathogenic (3). Last evaluated 2024-02-21.

Conditions:
Hypertrophic cardiomyopathy. Also called: HYPERTROPHIC MYOCARDIOPATHY. Identifiers: Orphanet 217569, MedGen C0007194, MeSH D002312, MONDO:0005045, HP:0001639.
Cardiovascular phenotype. Identifiers: MedGen CN230736.
MYBPC3-related disorder. Also called: MYBPC3-related disorders; MYBPC3-related condition; MYBPC3-related disease.

Submissions (3):

Labcorp Genetics (formerly Invitae), Labcorp
Classification: Pathogenic for Hypertrophic cardiomyopathy. Last evaluated: 2024-02-21. Review status: criteria provided, single submitter. Criteria: Invitae Variant Classification Sherloc (09022015). Collection method: clinical testing. Allele origin: germline.
Comment: This sequence change creates a premature translational stop signal (p.Glu451*) in the MYBPC3 gene. It is expected to result in an absent or disrupted protein product. Loss-of-function variants in MYBPC3 are known to be pathogenic (PMID: 19574547). This variant is not present in population databases (gnomAD no frequency). This variant has not been reported in the literature in individuals affected with MYBPC3-related conditions. ClinVar contains an entry for this variant (Variation ID: 1770618). Algorithms developed to predict the effect of sequence changes on RNA splicing suggest that this variant may disrupt the consensus splice site. For these reasons, this variant has been classified as Pathogenic.

Blueprint Genetics
Classification: Pathogenic for MYBPC3-related disorders. Last evaluated: 2021-07-26. Review status: criteria provided, single submitter. Criteria: ACMG Guidelines, 2015. Collection method: clinical testing. Allele origin: germline. Affected: yes. Observed: 2 variant alleles.

Ambry Genetics
Classification: Pathogenic for Cardiovascular phenotype. Last evaluated: 2020-10-26. Review status: criteria provided, single submitter. Criteria: Ambry Variant Classification Scheme 2023. Collection method: clinical testing. Allele origin: germline.
Comment: The p.E451* pathogenic mutation (also known as c.1351G>T), located in coding exon 15 of the MYBPC3 gene, results from a G to T substitution at nucleotide position 1351. This changes the amino acid from a glutamic acid to a stop codon within coding exon 15. This alteration is expected to result in loss of function by premature protein truncation or nonsense-mediated mRNA decay. As such, this alteration is interpreted as a disease-causing mutation.

Literature cited by the submitters: PubMed 19574547 (cited by Labcorp Genetics (formerly Invitae), Labcorp).

NM_000256.3(MYBPC3):c.1351G>T (p.Glu451Ter)

Gene: MYBPC3 (myosin binding protein C3; minus strand). Cytogenetic location: 11p11.2.
Variant type: single nucleotide variant.
Coding change: c.1351G>T on transcript NM_000256.3 (MANE Select); coding-DNA position 1351, G replaced by T.
Protein change: p.Glu451Ter; replaces glutamic acid 451 with a stop codon.
Molecular consequence: nonsense.
Genome position (GRCh38, 1-based): chr11:47,343,021, C>A on the plus strand (G>T on the coding strand, the complement: MYBPC3 is on the minus strand). VCF-style: chr11-47343021-C-A. GRCh37 (hg19) VCF-style: chr11-47364572-C-A.
Other names: short protein forms E451*.
Identifiers: ClinVar variation 1770618 (VCV001770618.8), dbSNP rs786204338, ClinGen allele CA010153.